The following is an entry in ClinVar:

NM_004336.5(BUB1):c.394C>A (p.Pro132Thr)

Gene: BUB1 (BUB1 mitotic checkpoint serine/threonine kinase; minus strand). Cytogenetic location: 2q13.
Variant type: single nucleotide variant.
Coding change: c.394C>A on transcript NM_004336.5 (MANE Select); coding-DNA position 394, C replaced by A.
Protein change: p.Pro132Thr; replaces proline 132 with threonine.
Molecular consequence: missense variant.
Genome position (GRCh38, 1-based): chr2:110,672,689, G>T on the plus strand (C>A on the coding strand, the complement: BUB1 is on the minus strand). VCF-style: chr2-110672689-G-T. GRCh37 (hg19) VCF-style: chr2-111430266-G-T.
Other names: c.334C>A, p.Pro112Thr (NM_001278616.2); c.394C>A, p.Pro132Thr (NM_001278617.2); short protein forms P112T, P132T.
Identifiers: ClinVar variation 3224098 (VCV003224098.1), dbSNP rs1458707383, ClinGen allele CA348220374.

ClinVar aggregate classification (germline): Uncertain significance (1 of 4 stars; one submission).

Allele frequency attached by ClinVar (database versions not stated): gnomAD exomes below 0.00001; TOPMed below 0.00001; gnomAD 0.00001.
gnomAD v4.1: 2 of 1,605,184 alleles (0.00012%); highest among the groups gnomAD compares: Non-Finnish European, 0.00017%; no homozygotes.

Submission:

Ambry Genetics
Classification: Uncertain significance. Last evaluated: 2023-11-02. Review status: criteria provided, single submitter. Criteria: Ambry Variant Classification Scheme 2023. Collection method: clinical testing. Allele origin: germline.
Comment: The p.P132T variant (also known as c.394C>A), located in coding exon 4 of the BUB1 gene, results from a C to A substitution at nucleotide position 394. The proline at codon 132 is replaced by threonine, an amino acid with highly similar properties. This amino acid position is conserved. In addition, this alteration is predicted to be deleterious by in silico analysis. Since supporting evidence is limited at this time, the clinical significance of this alteration remains unclear.